The following is an entry in ClinVar:

ClinVar aggregate classification (germline): Uncertain significance (1 of 4 stars; one submission).

Allele frequency attached by ClinVar (database versions not stated): gnomAD exomes below 0.00001.
gnomAD v4.1: 5 of 1,614,142 alleles (0.00031%); highest among the groups gnomAD compares: Non-Finnish European, 0.00042%; no homozygotes.

Submission:

Labcorp Genetics (formerly Invitae), Labcorp
Classification: Uncertain significance. Last evaluated: 2022-10-20. Review status: criteria provided, single submitter. Criteria: Invitae Variant Classification Sherloc (09022015). Collection method: clinical testing. Allele origin: germline.
Comment: This sequence change replaces arginine, which is basic and polar, with histidine, which is basic and polar, at codon 1848 of the NOTCH3 protein (p.Arg1848His). This variant is present in population databases (no rsID available, gnomAD 0.0009%). This variant has not been reported in the literature in individuals affected with NOTCH3-related conditions. Advanced modeling of protein sequence and biophysical properties (such as structural, functional, and spatial information, amino acid conservation, physicochemical variation, residue mobility, and thermodynamic stability) performed at Invitae indicates that this missense variant is not expected to disrupt NOTCH3 protein function. In summary, the available evidence is currently insufficient to determine the role of this variant in disease. Therefore, it has been classified as a Variant of Uncertain Significance.

NM_000435.3(NOTCH3):c.5543G>A (p.Arg1848His)

Gene: NOTCH3 (notch receptor 3; minus strand). Cytogenetic location: 19p13.12.
Variant type: single nucleotide variant.
Coding change: c.5543G>A on transcript NM_000435.3 (MANE Select); coding-DNA position 5543, G replaced by A.
Protein change: p.Arg1848His; replaces arginine 1848 with histidine.
Molecular consequence: missense variant.
Genome position (GRCh38, 1-based): chr19:15,165,911, C>T on the plus strand (G>A on the coding strand, the complement: NOTCH3 is on the minus strand). VCF-style: chr19-15165911-C-T. GRCh37 (hg19) VCF-style: chr19-15276722-C-T.
Other names: short protein forms R1848H.
Identifiers: ClinVar variation 1983653 (VCV001983653.4), dbSNP rs1446718967, ClinGen allele CA404494549.